The following is an entry in ClinVar:

NM_001267550.2(TTN):c.14113A>T (p.Lys4705Ter)

Gene: TTN (titin; minus strand). Cytogenetic location: 2q31.2.
Variant type: single nucleotide variant.
Coding change: c.14113A>T on transcript NM_001267550.2 (MANE Select); coding-DNA position 14113, A replaced by T.
Protein change: p.Lys4705Ter; replaces lysine 4705 with a stop codon.
Molecular consequence: nonsense.
Genome position (GRCh38, 1-based): chr2:178,738,340, T>A on the plus strand (A>T on the coding strand, the complement: TTN is on the minus strand). VCF-style: chr2-178738340-T-A. GRCh37 (hg19) VCF-style: chr2-179603067-T-A.
Other names: c.13162A>T, p.Lys4388Ter (NM_001256850.1); c.13024A>T, p.Lys4342Ter (NM_003319.4); c.10381A>T, p.Lys3461Ter (NM_133378.4); c.13399A>T, p.Lys4467Ter (NM_133432.3); c.13600A>T, p.Lys4534Ter (NM_133437.4); short protein forms K4534*, K4705*, K4342*, K4467*, K3461*, K4388*.
Identifiers: ClinVar variation 4785730 (VCV004785730.1).
Genomic context (GRCh38, chr2:178,738,340, plus strand): 5'-TTTGGATCTCACAGGTGAATTTGGCTAGGTGGCCCAGTGCTACTTCCAGGGGTTCGATTT[T>A]CCTCTTGATCACTGGGGCAGCTGCAAAGGGAAGTAGAGTCCATTAACATGCCTCCTTATC-3'

ClinVar aggregate classification (germline): Likely pathogenic (1 of 4 stars; one submission).

Conditions:
Autosomal recessive limb-girdle muscular dystrophy type 2J (LGMDR10). Also called: Limb-girdle muscular dystrophy, type 2J; MUSCULAR DYSTROPHY, LIMB-GIRDLE, AUTOSOMAL RECESSIVE 10. Identifiers: Orphanet 140922, MedGen C1837342, MONDO:0012127, OMIM 608807.
Dilated cardiomyopathy 1G (CMD1G). Identifiers: Orphanet 154, MedGen C1858763, MONDO:0011400, OMIM 604145.

Submission:

Labcorp Genetics (formerly Invitae), Labcorp
Classification: Likely pathogenic for Dilated cardiomyopathy 1G; Autosomal recessive limb-girdle muscular dystrophy type 2J. Last evaluated: 2025-11-17. Review status: criteria provided, single submitter. Criteria: Invitae Variant Classification Sherloc (09022015). Collection method: clinical testing. Allele origin: germline.
Comment: This sequence change creates a premature translational stop signal (p.Lys4705*) in the TTN gene. While this is not anticipated to result in nonsense mediated decay, it is expected to create a truncated TTN protein. This variant is not present in population databases (gnomAD no frequency). This variant has not been reported in the literature in individuals affected with TTN-related conditions. This variant is located in the I band of TTN (PMID: 25589632). Truncating variants in this region have been reported in individuals affected with autosomal recessive centronuclear myopathy (PMID: 23975875, internal data). Truncating variants in this region have also been identified in individuals affected with autosomal dominant dilated cardiomyopathy and/or cardio-related conditions (PMID: 27869827, 32964742, internal data). In summary, the currently available evidence indicates that the variant is pathogenic, but additional data are needed to prove that conclusively. Therefore, this variant has been classified as Likely Pathogenic.

Literature cited by the submitters: PubMed 25589632; PubMed 23975875; PubMed 27869827; PubMed 32964742.